The following is an entry in ClinVar:

NM_001127671.2(LIFR):c.774T>C (p.Asp258=)

Gene: LIFR (LIF receptor subunit alpha; minus strand). Cytogenetic location: 5p13.1.
Variant type: single nucleotide variant.
Coding change: c.774T>C on transcript NM_001127671.2 (MANE Select); coding-DNA position 774, T replaced by C.
Protein change: p.Asp258=; no amino-acid change (aspartic acid 258 retained).
Molecular consequence: synonymous variant.
Genome position (GRCh38, 1-based): chr5:38,510,681, A>G on the plus strand (T>C on the coding strand, the complement: LIFR is on the minus strand). VCF-style: chr5-38510681-A-G. GRCh37 (hg19) VCF-style: chr5-38510783-A-G.
Other names: c.774T>C (NM_002310.5); c.774T>C, p.Asp258= (NM_001364297.2, NM_001364298.2, NM_002310.6).
Identifiers: ClinVar variation 1164272 (VCV001164272.12), dbSNP rs761633332, ClinGen allele CA3243111.
Genomic context (GRCh38, chr5:38,510,681, plus strand): 5'-TAACACTTTTTCTTGACTCACACAACAAAATGTTATGTCTGAGCCTACAAGTATCACTTT[A>G]TCTTGAGGAAAAACCTTAGTCTGAGAATCAGGTATCCCTAGAAAGAAAAAGAGGAATTAT-3'
Protein context (NP_001121143.1, residues 248-268): PDSQTKVFPQ[Asp258=]KVILVGSDIT

ClinVar aggregate classification (germline): Benign. Review status: criteria provided, single submitter (1 of 4 stars). 3 submissions from 3 submitters: Benign (1). 2 of the submissions do not count toward it. Last evaluated 2026-01-28.

Conditions:
LIFR-related disorder. Also called: LIFR-related condition.
Stuve-Wiedemann syndrome (STWS). Also called: Stüve-Wiedemann syndrome. Identifiers: Orphanet 3206, MedGen C0796176, MONDO:0031280.

Allele frequency attached by ClinVar (database versions not stated): TOPMed below 0.00001; gnomAD 0.00003; gnomAD exomes 0.00010 and 0.00016; ExAC 0.00019.
gnomAD v4.1: 144 of 1,613,430 alleles (0.0089%); highest among the groups gnomAD compares: South Asian, 0.15%; 2 homozygotes.

Submissions (3):

Labcorp Genetics (formerly Invitae), Labcorp
Classification: Benign. Last evaluated: 2026-01-28. Review status: criteria provided, single submitter. Criteria: Invitae Variant Classification Sherloc (09022015). Collection method: clinical testing. Allele origin: germline.

Natera, Inc.
Classification: Benign for Stuve-Wiedemann syndrome. Last evaluated: 2020-03-03. Review status: no assertion criteria provided. Collection method: clinical testing. Allele origin: germline. Not counted in ClinVar's aggregate classification.

PreventionGenetics, part of Exact Sciences
Classification: Likely benign for LIFR-related condition. Last evaluated: 2019-11-20. Review status: no assertion criteria provided. Collection method: clinical testing. Allele origin: germline. Not counted in ClinVar's aggregate classification.
Comment: This variant is classified as likely benign based on ACMG/AMP sequence variant interpretation guidelines (Richards et al. 2015 PMID: 25741868, with internal and published modifications).